The following is an entry in ClinVar:

ClinVar aggregate classification (germline): Uncertain significance (1 of 4 stars; one submission).

Conditions:
Spondyloepimetaphyseal dysplasia, PAPSS2 type. Also called: BRACHYOLMIA TYPE 4 WITH MILD EPIPHYSEAL AND METAPHYSEAL CHANGES; SPONDYLODYSPLASIA AND PREMATURE PUBARCHE; SEMD, PAKISTANI TYPE. Identifiers: Orphanet 93282, MedGen C2748516, MONDO:0019666, OMIM 612847.

Submission:

Labcorp Genetics (formerly Invitae), Labcorp
Classification: Uncertain significance for Spondyloepimetaphyseal dysplasia, PAPSS2 type. Last evaluated: 2023-12-28. Review status: criteria provided, single submitter. Criteria: Invitae Variant Classification Sherloc (09022015). Collection method: clinical testing. Allele origin: germline.
Comment: This sequence change replaces proline, which is neutral and non-polar, with arginine, which is basic and polar, at codon 442 of the PAPSS2 protein (p.Pro442Arg). This variant is not present in population databases (gnomAD no frequency). This variant has not been reported in the literature in individuals affected with PAPSS2-related conditions. An algorithm developed to predict the effect of missense changes on protein structure and function (PolyPhen-2) suggests that this variant is likely to be disruptive. In summary, the available evidence is currently insufficient to determine the role of this variant in disease. Therefore, it has been classified as a Variant of Uncertain Significance.

NM_001015880.2(PAPSS2):c.1325C>G (p.Pro442Arg)

Gene: PAPSS2 (3'-phosphoadenosine 5'-phosphosulfate synthase 2; plus strand). Cytogenetic location: 10q23.31.
Variant type: single nucleotide variant.
Coding change: c.1325C>G on transcript NM_001015880.2 (MANE Select); coding-DNA position 1325, C replaced by G.
Protein change: p.Pro442Arg; replaces proline 442 with arginine.
Molecular consequence: missense variant.
Genome position (GRCh38, 1-based): chr10:87,743,475, C>G. VCF-style: chr10-87743475-C-G. GRCh37 (hg19) VCF-style: chr10-89503232-C-G.
Other names: c.1310C>G, p.Pro437Arg (NM_004670.4); short protein forms P437R, P442R.
Identifiers: ClinVar variation 2770670 (VCV002770670.3), dbSNP rs748222374, ClinGen allele CA377483072.